The following is an entry in ClinVar:

NM_015215.4(CAMTA1):c.3350C>T (p.Ala1117Val)

Gene: CAMTA1 (calmodulin binding transcription activator 1; plus strand). Cytogenetic location: 1p36.23.
Variant type: single nucleotide variant.
Coding change: c.3350C>T on transcript NM_015215.4 (MANE Select); coding-DNA position 3350, C replaced by T.
Protein change: p.Ala1117Val; replaces alanine 1117 with valine.
Molecular consequence: missense variant.
Genome position (GRCh38, 1-based): chr1:7,737,262, C>T. VCF-style: chr1-7737262-C-T. GRCh37 (hg19) VCF-style: chr1-7797322-C-T.
Other names: c.3260C>T, p.Ala1087Val (NM_001349608.2, NM_001349612.2); c.3350C>T, p.Ala1117Val (NM_001349609.2, NM_001349610.2, NM_001410737.1); c.479C>T, p.Ala160Val (NM_001349613.1); c.422C>T, p.Ala141Val (NM_001349614.1, NM_001349615.2, NM_001349616.2 and 10 more transcripts); c.3278C>T, p.Ala1093Val (NM_001410738.1); short protein forms A1087V, A1093V, A1117V, A141V, A160V.
Identifiers: ClinVar variation 3236366 (VCV003236366.1), dbSNP rs149702154, ClinGen allele CA566936.

ClinVar aggregate classification (germline): Uncertain significance (1 of 4 stars; one submission).

Conditions:
Cerebellar dysfunction with variable cognitive and behavioral abnormalities (CECBA). Also called: Nonprogressive cerebellar atxia with intellectual disability. Identifiers: Orphanet 314647, MedGen C3553661, MONDO:0013886, OMIM 614756.

Allele frequency attached by ClinVar (database versions not stated): gnomAD 0.00003; TOPMed 0.00004; ExAC 0.00006; 1000 Genomes Project 0.00020.
gnomAD v4.1: 46 of 1,612,968 alleles (0.0029%); highest among the groups gnomAD compares: Admixed American, 0.022%; no homozygotes.

Submission:

MVZ Medizinische Genetik Mainz
Classification: Uncertain significance for Cerebellar dysfunction with variable cognitive and behavioral abnormalities. Last evaluated: 2023-08-23. Review status: criteria provided, single submitter. Criteria: UK Practice Guidelines For Variant Classification V4 01 2020. Collection method: clinical testing. Allele origin: germline. Inheritance: Autosomal dominant inheritance. Affected: yes. Observed: 1 variant allele.
Comment: ACMG Criteria: PP2,PP3